The following is an entry in ClinVar:

NM_001001557.4(GDF6):c.100T>C (p.Ser34Pro)

Gene: GDF6 (growth differentiation factor 6; minus strand). Cytogenetic location: 8q22.1.
Variant type: single nucleotide variant.
Coding change: c.100T>C on transcript NM_001001557.4 (MANE Select); coding-DNA position 100, T replaced by C.
Protein change: p.Ser34Pro; replaces serine 34 with proline.
Molecular consequence: missense variant.
Genome position (GRCh38, 1-based): chr8:96,160,593, A>G on the plus strand (T>C on the coding strand, the complement: GDF6 is on the minus strand). VCF-style: chr8-96160593-A-G. GRCh37 (hg19) VCF-style: chr8-97172821-A-G.
Other names: short protein forms S34P.
Identifiers: ClinVar variation 1357500 (VCV001357500.8), dbSNP rs2130238372, ClinGen allele CA371753954.

ClinVar aggregate classification (germline): Uncertain significance (1 of 4 stars; one submission).

Conditions:
Leber congenital amaurosis 17 (LCA17). Identifiers: Orphanet 65, MedGen C3715164, MONDO:0014145, OMIM 615360.
Microphthalmia, isolated, with coloboma 6 (MCOPCB6). Also called: Microphthalmia with coloboma 6, digenic; Microphthalmia with coloboma 6; MICROPHTHALMIA/COLOBOMA 6. Identifiers: Orphanet 98938, MedGen C3150968, MONDO:0013376, OMIM 613703.
Klippel-Feil syndrome 1, autosomal dominant (KFS1). Also called: CERVICAL VERTEBRAL FUSION, AUTOSOMAL DOMINANT. Identifiers: Orphanet 2345, MedGen C1861689, MONDO:0007306, OMIM 118100.
Isolated microphthalmia 4. Identifiers: Orphanet 2542, MedGen C2751307, MONDO:0013130, OMIM 613094.

Submission:

Labcorp Genetics (formerly Invitae), Labcorp
Classification: Uncertain significance for Isolated microphthalmia 4; Leber congenital amaurosis 17; Klippel-Feil syndrome 1, autosomal dominant; Microphthalmia, isolated, with coloboma 6. Last evaluated: 2021-04-05. Review status: criteria provided, single submitter. Criteria: Invitae Variant Classification Sherloc (09022015). Collection method: clinical testing. Allele origin: germline.
Comment: This sequence change replaces serine with proline at codon 34 of the GDF6 protein (p.Ser34Pro). The serine residue is moderately conserved and there is a moderate physicochemical difference between serine and proline. This variant is not present in population databases (ExAC no frequency). This variant has not been reported in the literature in individuals with GDF6-related conditions. Algorithms developed to predict the effect of missense changes on protein structure and function (SIFT, PolyPhen-2, Align-GVGD) all suggest that this variant is likely to be tolerated, but these predictions have not been confirmed by published functional studies and their clinical significance is uncertain. In summary, the available evidence is currently insufficient to determine the role of this variant in disease. Therefore, it has been classified as a Variant of Uncertain Significance.